The following is an entry in ClinVar:

NM_198880.3(QRICH1):c.697G>C (p.Glu233Gln)

Gene: QRICH1 (glutamine rich 1; minus strand). Cytogenetic location: 3p21.31.
Variant type: single nucleotide variant.
Coding change: c.697G>C on transcript NM_198880.3 (MANE Select); coding-DNA position 697, G replaced by C.
Protein change: p.Glu233Gln; replaces glutamic acid 233 with glutamine.
Molecular consequence: missense variant.
Genome position (GRCh38, 1-based): chr3:49,057,503, C>G on the plus strand (G>C on the coding strand, the complement: QRICH1 is on the minus strand). VCF-style: chr3-49057503-C-G. GRCh37 (hg19) VCF-style: chr3-49094936-C-G.
Other names: c.697G>C, p.Glu233Gln (NM_001320580.2, NM_001320581.2, NM_001320582.2 and 4 more transcripts); short protein forms E233Q.
Identifiers: ClinVar variation 2637287 (VCV002637287.1), dbSNP rs2471709228, ClinGen allele CA352672753.

ClinVar aggregate classification (germline): Uncertain significance (1 of 4 stars; one submission).

Conditions:
QRICH1-related disorder. Also called: QRICH1-related condition.

Submission:

PreventionGenetics, part of Exact Sciences
Classification: Uncertain significance for QRICH1-related condition. Last evaluated: 2022-10-19. Review status: criteria provided, single submitter. Criteria: ACMG Guidelines, 2015. Collection method: clinical testing. Allele origin: germline.
Comment: The QRICH1 c.697G>C variant is predicted to result in the amino acid substitution p.Glu233Gln. To our knowledge, this variant has not been reported in the literature or in a large population database, indicating this variant is rare. At this time, the clinical significance of this variant is uncertain due to the absence of conclusive functional and genetic evidence.